The following is an entry in ClinVar:

NM_006206.6(PDGFRA):c.629-2A>G

Gene: PDGFRA (platelet derived growth factor receptor alpha; plus strand). Cytogenetic location: 4q12.
Variant type: single nucleotide variant.
Coding change: c.629-2A>G on transcript NM_006206.6 (MANE Select); the canonical splice acceptor site of the intron before coding-DNA position 629, A replaced by G.
Molecular consequence: splice acceptor variant.
Genome position (GRCh38, 1-based): chr4:54,264,917, A>G. VCF-style: chr4-54264917-A-G. GRCh37 (hg19) VCF-style: chr4-55131084-A-G.
Other names: c.704-2A>G (NM_001347828.2); c.629-2A>G (NM_001347827.2, NM_001347829.2); c.668-2A>G (NM_001347830.2).
Identifiers: ClinVar variation 3930218 (VCV003930218.1).

ClinVar aggregate classification (germline): Uncertain significance (1 of 4 stars; one submission).

Conditions:
Hereditary cancer-predisposing syndrome. Also called: Tumor predisposition; Hereditary neoplastic syndrome; Hereditary Cancer Syndrome; Neoplastic Syndromes, Hereditary. Identifiers: Orphanet 140162, MedGen C0027672, MeSH D009386, MONDO:0015356.

Submission:

Ambry Genetics
Classification: Uncertain significance for Hereditary cancer-predisposing syndrome. Last evaluated: 2025-05-31. Review status: criteria provided, single submitter. Criteria: Ambry Variant Classification Scheme 2023. Collection method: clinical testing. Allele origin: germline.
Comment: The c.629-2A>G intronic variant results from an A to G substitution two nucleotides upstream from coding exon 4 in the PDGFRA gene. This nucleotide position is highly conserved in available vertebrate species. In silico splice site analysis predicts that this alteration will weaken the native splice acceptor site. Alterations that disrupt the canonical splice site are expected to cause aberrant splicing, resulting in an abnormal protein or a transcript that is subject to nonsense-mediated mRNA decay. However, loss of function of PDGFRA has not been established as a mechanism of disease. Based on the available evidence, the clinical significance of this alteration remains unclear.